The following is an entry in ClinVar:

NM_000493.4(COL10A1):c.1424_1430del (p.Pro475fs)

Genes: COL10A1 (collagen type X alpha 1 chain; minus strand), NT5DC1 (5'-nucleotidase domain containing 1; plus strand). Cytogenetic location: 6q22.1.
Variant type: Deletion.
Coding change: c.1424_1430del on transcript NM_000493.4 (MANE Select); coding-DNA positions 1424 to 1430, 7 bases deleted (CTGGCCC; older notation c.1424_1430delCTGGCCC).
Protein change: p.Pro475fs; shifts the reading frame from proline 475.
Molecular consequence: frameshift variant. On other transcripts: intron variant (1).
Genome position (GRCh38, 1-based): chr6:116,120,686-116,120,692, GGGCCAG deleted on the plus strand (CTGGCCC on the coding strand, the reverse complement: COL10A1 is on the minus strand); deleting any 7 consecutive bases within chr6:116,120,686-116,120,693 gives the same sequence; the c. name uses the placement nearest the transcript's 3' end. VCF-style (leftmost placement, unchanged base first): chr6-116120685-TGGGCCAG-T. GRCh37 (hg19) VCF-style: chr6-116441848-TGGGCCAG-T.
Other names: c.1424_1430del, p.Pro475fs (NM_001424106.1, NM_001424107.1); c.529+2742_529+2748del (NM_152729.3); short protein forms P475fs.
Identifiers: ClinVar variation 4706925 (VCV004706925.1).

ClinVar aggregate classification (germline): Uncertain significance (1 of 4 stars; one submission).

Submission:

Labcorp Genetics (formerly Invitae), Labcorp
Classification: Uncertain significance. Last evaluated: 2025-08-11. Review status: criteria provided, single submitter. Criteria: Invitae Variant Classification Sherloc (09022015). Collection method: clinical testing. Allele origin: germline.
Comment: This sequence change creates a premature translational stop signal (p.Pro475Glnfs*4) in the COL10A1 gene. While this is not anticipated to result in nonsense mediated decay, it is expected to disrupt the last 206 amino acid(s) of the COL10A1 protein. This variant is not present in population databases (gnomAD no frequency). This variant has not been reported in the literature in individuals affected with COL10A1-related conditions. Experimental studies and prediction algorithms are not available or were not evaluated, and the functional significance of this variant is currently unknown. In summary, the available evidence is currently insufficient to determine the role of this variant in disease. Therefore, it has been classified as a Variant of Uncertain Significance.